The following is an entry in ClinVar:

ClinVar aggregate classification (germline): Likely pathogenic (1 of 4 stars; one submission).

Conditions:
Hypertrophic cardiomyopathy 12. Identifiers: MedGen C2677491, MONDO:0012804, OMIM 612124.
Dilated cardiomyopathy 1M (CMD1M). Identifiers: Orphanet 154, MedGen C1843808, MONDO:0011840, OMIM 607482.

gnomAD v4.1: 1 of 1,614,184 alleles (0.000062%); highest among the groups gnomAD compares: Non-Finnish European, 0.000085%; no homozygotes.

Submission:

Labcorp Genetics (formerly Invitae), Labcorp
Classification: Likely pathogenic for Hypertrophic cardiomyopathy 12; Dilated cardiomyopathy 1M. Last evaluated: 2023-05-12. Review status: criteria provided, single submitter. Criteria: Invitae Variant Classification Sherloc (09022015). Collection method: clinical testing. Allele origin: germline.
Comment: This sequence change affects a donor splice site in intron 5 of the CSRP3 gene. It is expected to disrupt RNA splicing. Variants that disrupt the donor or acceptor splice site typically lead to a loss of protein function (PMID: 16199547), and loss-of-function variants in CSRP3 are known to be pathogenic (PMID: 12642359, 14567970, 16352453, 20087448, 34558151). This variant is not present in population databases (gnomAD no frequency). Disruption of this splice site has been observed in individual(s) with clinical features of hypertrophic cardiomyopathy (Invitae). Algorithms developed to predict the effect of sequence changes on RNA splicing suggest that this variant may disrupt the consensus splice site. In summary, the currently available evidence indicates that the variant is pathogenic, but additional data are needed to prove that conclusively. Therefore, this variant has been classified as Likely Pathogenic.

Literature cited by the submitters: PubMed 16199547; PubMed 12642359; PubMed 14567970; PubMed 16352453; PubMed 20087448; PubMed 34558151.

NM_003476.5(CSRP3):c.414+1G>A

Gene: CSRP3 (cysteine and glycine rich protein 3; minus strand). Cytogenetic location: 11p15.1.
Variant type: single nucleotide variant.
Coding change: c.414+1G>A on transcript NM_003476.5 (MANE Select); the canonical splice donor site of the intron after coding-DNA position 414, G replaced by A.
Molecular consequence: splice donor variant.
Genome position (GRCh38, 1-based): chr11:19,186,215, C>T on the plus strand (G>A on the coding strand, the complement: CSRP3 is on the minus strand). VCF-style: chr11-19186215-C-T. GRCh37 (hg19) VCF-style: chr11-19207762-C-T.
Other names: c.245+1G>A (NM_001369404.1).
Identifiers: ClinVar variation 2947685 (VCV002947685.3), dbSNP rs935867046, ClinGen allele CA379887822.